The following is an entry in ClinVar:

NM_000368.5(TSC1):c.1611C>T (p.His537=)

Gene: TSC1 (TSC complex subunit 1; minus strand). Cytogenetic location: 9q34.13.
Variant type: single nucleotide variant.
Coding change: c.1611C>T on transcript NM_000368.5 (MANE Select); coding-DNA position 1611, C replaced by T.
Protein change: p.His537=; no amino-acid change (histidine 537 retained).
Molecular consequence: synonymous variant.
Genome position (GRCh38, 1-based): chr9:132,905,967, G>A on the plus strand (C>T on the coding strand, the complement: TSC1 is on the minus strand). VCF-style: chr9-132905967-G-A. GRCh37 (hg19) VCF-style: chr9-135781354-G-A.
Other names: c.1608C>T, p.His536= (NM_001162426.2); c.1458C>T, p.His486= (NM_001162427.2); c.1248C>T, p.His416= (NM_001362177.2).
Identifiers: ClinVar variation 416652 (VCV000416652.18), dbSNP rs898271020, ClinGen allele CA16612577.

ClinVar aggregate classification (germline): Benign/Likely benign. Review status: criteria provided, multiple submitters, no conflicts (2 of 4 stars). 5 submissions from 5 submitters: Benign (2); Likely benign (2). 1 of the submissions does not count toward it. Last evaluated 2025-05-07.

Conditions:
TSC1-related disorder. Also called: TSC1-related condition.
Hereditary cancer-predisposing syndrome. Also called: Tumor predisposition; Neoplastic Syndromes, Hereditary; Hereditary Cancer Syndrome; Hereditary neoplastic syndrome. Identifiers: Orphanet 140162, MedGen C0027672, MeSH D009386, MONDO:0015356.
Tuberous sclerosis 1 (TSC1). Identifiers: Orphanet 805, MedGen C1854465, MONDO:0008612, OMIM 191100.

Allele frequency attached by ClinVar (database versions not stated): gnomAD exomes below 0.00001.
gnomAD v4.1: 6 of 1,614,130 alleles (0.00037%); highest among the groups gnomAD compares: Non-Finnish European, 0.00042%; no homozygotes.

Submissions (5):

Labcorp Genetics (formerly Invitae), Labcorp
Classification: Likely benign for Tuberous sclerosis 1. Last evaluated: 2025-05-07. Review status: criteria provided, single submitter. Criteria: Invitae Variant Classification Sherloc (09022015). Collection method: clinical testing. Allele origin: germline.

Myriad Genetics, Inc.
Classification: Benign for Tuberous sclerosis 1. Last evaluated: 2025-04-10. Review status: criteria provided, single submitter. Criteria: Myriad Autosomal Dominant, Autosomal Recessive and X-Linked Classification Criteria (2023). Collection method: clinical testing. Allele origin: unknown.
Comment: This variant is considered benign. This variant is a silent/synonymous amino acid change and it is not expected to impact splicing.

Genome-Nilou Lab
Classification: Benign for Tuberous sclerosis 1. Last evaluated: 2021-11-07. Review status: criteria provided, single submitter. Criteria: ACMG Guidelines, 2015. Collection method: clinical testing. Allele origin: germline. Affected: no.

Ambry Genetics
Classification: Likely benign for Hereditary cancer-predisposing syndrome. Last evaluated: 2017-12-18. Review status: criteria provided, single submitter. Criteria: Ambry Variant Classification Scheme 2023. Collection method: clinical testing. Allele origin: germline.

PreventionGenetics, part of Exact Sciences
Classification: Likely benign for TSC1-related condition. Last evaluated: 2023-01-05. Review status: no assertion criteria provided. Collection method: clinical testing. Allele origin: germline. Not counted in ClinVar's aggregate classification.
Comment: This variant is classified as likely benign based on ACMG/AMP sequence variant interpretation guidelines (Richards et al. 2015 PMID: 25741868, with internal and published modifications).